The following is an entry in ClinVar:

ClinVar aggregate classification (germline): Uncertain significance (1 of 4 stars; one submission).

Conditions:
Developmental and epileptic encephalopathy. Identifiers: MedGen C5779964, MONDO:0100620.

Submission:

Labcorp Genetics (formerly Invitae), Labcorp
Classification: Uncertain significance for Early-infantile DEE. Last evaluated: 2024-01-11. Review status: criteria provided, single submitter. Criteria: Invitae Variant Classification Sherloc (09022015). Collection method: clinical testing. Allele origin: unknown.
Comment: This variant results in a copy number gain of the genomic region encompassing exon(s) 4-8 of the HCN1 gene. This region includes the termination codon of the gene. This copy number gain extends beyond the assayed region for this gene and therefore may encompass additional genes. As the precise location of this event is unknown, it may be in tandem or it may be located elsewhere in the genome. This variant has not been reported in the literature in individuals affected with HCN1-related conditions. Experimental studies and prediction algorithms are not available or were not evaluated, and the functional significance of this variant is currently unknown. In summary, the available evidence is currently insufficient to determine the role of this variant in disease. Therefore, it has been classified as a Variant of Uncertain Significance.

NC_000005.9:g.(?_45262023)_(45396832_?)dup

Gene: HCN1 (hyperpolarization activated cyclic nucleotide gated potassium channel 1; minus strand). Cytogenetic location: 5p12.
Variant type: Duplication.
Identifiers: ClinVar variation 3246315 (VCV003246315.1).